The following is an entry in ClinVar:

ClinVar aggregate classification (germline): Uncertain significance (1 of 4 stars; one submission).

Allele frequency attached by ClinVar (database versions not stated): gnomAD exomes 0.00001; TOPMed 0.00001; ExAC 0.00002.
gnomAD v4.1: 15 of 1,614,212 alleles (0.00093%); highest among the groups gnomAD compares: Admixed American, 0.01%; no homozygotes.

Submission:

Labcorp Genetics (formerly Invitae), Labcorp
Classification: Uncertain significance. Last evaluated: 2024-12-02. Review status: criteria provided, single submitter. Criteria: Invitae Variant Classification Sherloc (09022015). Collection method: clinical testing. Allele origin: germline.
Comment: This sequence change replaces valine, which is neutral and non-polar, with methionine, which is neutral and non-polar, at codon 8 of the CNGB1 protein (p.Val8Met). This variant is present in population databases (rs757959565, gnomAD 0.01%). This variant has not been reported in the literature in individuals affected with CNGB1-related conditions. ClinVar contains an entry for this variant (Variation ID: 1958857). An algorithm developed to predict the effect of missense changes on protein structure and function (PolyPhen-2) suggests that this variant is likely to be disruptive. In summary, the available evidence is currently insufficient to determine the role of this variant in disease. Therefore, it has been classified as a Variant of Uncertain Significance.

NM_001297.5(CNGB1):c.22G>A (p.Val8Met)

Gene: CNGB1 (cyclic nucleotide gated channel subunit beta 1; minus strand). Cytogenetic location: 16q21.
Variant type: single nucleotide variant.
Coding change: c.22G>A on transcript NM_001297.5 (MANE Select); coding-DNA position 22, G replaced by A.
Protein change: p.Val8Met; replaces valine 8 with methionine.
Molecular consequence: missense variant.
Genome position (GRCh38, 1-based): chr16:57,967,265, C>T on the plus strand (G>A on the coding strand, the complement: CNGB1 is on the minus strand). VCF-style: chr16-57967265-C-T. GRCh37 (hg19) VCF-style: chr16-58001169-C-T.
Other names: c.22G>A, p.Val8Met (NM_001135639.2, NM_001286130.2); short protein forms V8M.
Identifiers: ClinVar variation 1958857 (VCV001958857.3), dbSNP rs757959565, ClinGen allele CA8084018.